The following is an entry in ClinVar:

NM_000080.4(CHRNE):c.16C>T (p.Leu6Phe)

Genes: C17orf107 (chromosome 17 open reading frame 107; plus strand), CHRNE (cholinergic receptor nicotinic epsilon subunit; minus strand). Cytogenetic location: 17p13.2.
Variant type: single nucleotide variant.
Coding change: c.16C>T on transcript NM_000080.4 (MANE Select); coding-DNA position 16, C replaced by T.
Protein change: p.Leu6Phe; replaces leucine 6 with phenylalanine.
Molecular consequence: missense variant.
Genome position (GRCh38, 1-based): chr17:4,903,048, G>A on the plus strand (C>T on the coding strand, the complement: CHRNE is on the minus strand). VCF-style: chr17-4903048-G-A. GRCh37 (hg19) VCF-style: chr17-4806343-G-A.
Other names: short protein forms L6F.
Identifiers: ClinVar variation 965708 (VCV000965708.10), dbSNP rs746521766, ClinGen allele CA8314646.

ClinVar aggregate classification (germline): Uncertain significance. Review status: criteria provided, multiple submitters, no conflicts (2 of 4 stars). 4 submissions from 4 submitters: Uncertain significance (3). 1 of the submissions does not count toward it. Last evaluated 2025-02-09.

Conditions:
Congenital myasthenic syndrome (CMS). Also called: Congenital Myasthenic Syndromes. Identifiers: Orphanet 590, MedGen C0751882, MeSH D020294, MONDO:0018940.
Congenital myasthenic syndrome 4A. Also called: Myasthenic syndrome, congenital, 4a, slow-channel; MYASTHENIC SYNDROME, CONGENITAL, 4A, SLOW-CHANNEL, AUTOSOMAL RECESSIVE; CONGENITAL MYASTHENIC SYNDROME TYPE Ia1. Identifiers: Orphanet 590, MedGen C4225413, MONDO:0011600, OMIM 605809.

Allele frequency attached by ClinVar (database versions not stated): TOPMed 0.00001; gnomAD 0.00002.
gnomAD v4.1: 71 of 1,613,926 alleles (0.0044%); highest among the groups gnomAD compares: Non-Finnish European, 0.0058%; no homozygotes.

Submissions (4):

Labcorp Genetics (formerly Invitae), Labcorp
Classification: Uncertain significance for Congenital myasthenic syndrome 4A. Last evaluated: 2025-02-09. Review status: criteria provided, single submitter. Criteria: Invitae Variant Classification Sherloc (09022015). Collection method: clinical testing. Allele origin: germline.
Comment: This sequence change replaces leucine, which is neutral and non-polar, with phenylalanine, which is neutral and non-polar, at codon 6 of the CHRNE protein (p.Leu6Phe). This variant is present in population databases (rs746521766, gnomAD 0.004%). This variant has not been reported in the literature in individuals affected with CHRNE-related conditions. ClinVar contains an entry for this variant (Variation ID: 965708). Invitae Evidence Modeling of protein sequence and biophysical properties (such as structural, functional, and spatial information, amino acid conservation, physicochemical variation, residue mobility, and thermodynamic stability) indicates that this missense variant is not expected to disrupt CHRNE protein function with a negative predictive value of 95%. In summary, the available evidence is currently insufficient to determine the role of this variant in disease. Therefore, it has been classified as a Variant of Uncertain Significance.

Athena Diagnostics
Classification: Uncertain significance. Last evaluated: 2020-09-21. Review status: criteria provided, single submitter. Criteria: Athena Diagnostics criteria. Collection method: clinical testing. Allele origin: unknown.

Revvity Omics, Revvity
Classification: Uncertain significance. Last evaluated: 2019-06-28. Review status: criteria provided, single submitter. Criteria: ACMG Guidelines, 2015. Collection method: clinical testing. Allele origin: germline.

Natera, Inc.
Classification: Uncertain significance for Congenital myasthenic syndrome. Last evaluated: 2020-03-13. Review status: no assertion criteria provided. Collection method: clinical testing. Allele origin: germline. Not counted in ClinVar's aggregate classification.